The following is an entry in ClinVar:

NM_000136.3(FANCC):c.715G>A (p.Val239Ile)

Genes: FANCC (FA complementation group C; minus strand), AOPEP (aminopeptidase O (putative); plus strand). Cytogenetic location: 9q22.32.
Variant type: single nucleotide variant.
Coding change: c.715G>A on transcript NM_000136.3 (MANE Select); coding-DNA position 715, G replaced by A.
Protein change: p.Val239Ile; replaces valine 239 with isoleucine.
Molecular consequence: missense variant.
Genome position (GRCh38, 1-based): chr9:95,135,474, C>T on the plus strand (G>A on the coding strand, the complement: FANCC is on the minus strand). VCF-style: chr9-95135474-C-T. GRCh37 (hg19) VCF-style: chr9-97897756-C-T.
Other names: c.715G>A, p.Val239Ile (NM_001243743.2, NM_001243744.2); short protein forms V239I.
Identifiers: ClinVar variation 1757431 (VCV001757431.3), dbSNP rs773685532, ClinGen allele CA5137646.
Genomic context (GRCh38, chr9:95,135,474, plus strand): 5'-CAAAAAGATGCAGCATTGCTTTTTCAAGGCTGGGAAGGTGCCGAAGCCAGAGGCAGACTA[C>T]AGCTGACATGGGGAGAGAAATCTTCTTCCTTTCAGAAAGAAATAAACAAAATTTTAAACA-3'
Protein context (NP_000127.2, residues 229-249): LKKISLPMSA[Val239Ile]VCLWLRHLPS

ClinVar aggregate classification (germline): Uncertain significance. Review status: criteria provided, multiple submitters, no conflicts (2 of 4 stars). 2 submissions from 2 submitters: Uncertain significance (2). Last evaluated 2022-09-09.

Conditions:
Hereditary cancer-predisposing syndrome. Also called: Neoplastic Syndromes, Hereditary; Tumor predisposition; Hereditary Cancer Syndrome; Hereditary neoplastic syndrome. Identifiers: Orphanet 140162, MedGen C0027672, MeSH D009386, MONDO:0015356.

Allele frequency attached by ClinVar (database versions not stated): gnomAD exomes below 0.00001; ExAC 0.00001.
gnomAD v4.1: 1 of 1,614,022 alleles (0.000062%); highest among the groups gnomAD compares: Non-Finnish European, 0.000085%; no homozygotes.

Submissions (2):

Quest Diagnostics Nichols Institute San Juan Capistrano
Classification: Uncertain significance. Last evaluated: 2022-09-09. Review status: criteria provided, single submitter. Criteria: Quest Diagnostics criteria. Collection method: clinical testing. Allele origin: unknown.
Comment: To the best of our knowledge, the variant has not been reported in the published literature. The frequency of this variant in the general population, 0.000004 (1/251312 chromosomes), is uninformative in assessment of its pathogenicity. Analysis of this variant using bioinformatics tools for the prediction of the effect of amino acid changes on protein structure and function yielded predictions that this variant is benign. Based on the available information, we are unable to determine the clinical significance of this variant.

Ambry Genetics
Classification: Uncertain significance for Hereditary cancer-predisposing syndrome. Last evaluated: 2021-02-08. Review status: criteria provided, single submitter. Criteria: Ambry Variant Classification Scheme 2023. Collection method: clinical testing. Allele origin: germline.
Comment: The p.V239I variant (also known as c.715G>A), located in coding exon 7 of the FANCC gene, results from a G to A substitution at nucleotide position 715. The valine at codon 239 is replaced by isoleucine, an amino acid with highly similar properties. This amino acid position is not well conserved in available vertebrate species, and isoleucine is the reference amino acid in other vertebrate species. In addition, this alteration is predicted to be tolerated by in silico analysis. Since supporting evidence is limited at this time, the clinical significance of this alteration remains unclear.